The following is an entry in ClinVar:

ClinVar aggregate classification (germline): Likely pathogenic. Review status: criteria provided, multiple submitters, no conflicts (2 of 4 stars). 3 submissions from 3 submitters: Likely pathogenic (3). Last evaluated 2025-07-15.

Conditions:
Primary ciliary dyskinesia. Also called: Ciliary dyskinesia. Identifiers: Orphanet 244, MedGen C0008780, MONDO:0016575, HP:0012265.

gnomAD v4.1: 4 of 1,548,084 alleles (0.00026%); highest among the groups gnomAD compares: Admixed American, 0.008%; no homozygotes.

Submissions (3):

Mayo Clinic Laboratories, Mayo Clinic
Classification: Likely pathogenic. Last evaluated: 2025-07-15. Review status: criteria provided, single submitter. Criteria: ACMG Guidelines, 2015. Collection method: clinical testing. Allele origin: germline. Observed: 1 variant allele.
Comment: PM2_supporting, PVS1

Labcorp Genetics (formerly Invitae), Labcorp
Classification: Likely pathogenic for Primary ciliary dyskinesia. Last evaluated: 2025-05-05. Review status: criteria provided, single submitter. Criteria: Invitae Variant Classification Sherloc (09022015). Collection method: clinical testing. Allele origin: germline.
Comment: This sequence change affects a donor splice site in intron 45 of the DNAH11 gene. It is expected to disrupt RNA splicing. Variants that disrupt the donor or acceptor splice site typically lead to a loss of protein function (PMID: 16199547), and loss-of-function variants in DNAH11 are known to be pathogenic (PMID: 18022865, 20513915, 22184204). This variant is not present in population databases (gnomAD no frequency). This variant has not been reported in the literature in individuals affected with DNAH11-related conditions. Algorithms developed to predict the effect of sequence changes on RNA splicing suggest that this variant may disrupt the consensus splice site. In summary, the currently available evidence indicates that the variant is pathogenic, but additional data are needed to prove that conclusively. Therefore, this variant has been classified as Likely Pathogenic.

GeneDx
Classification: Likely pathogenic. Last evaluated: 2024-11-15. Review status: criteria provided, single submitter. Criteria: GeneDx Variant Classification Process June 2021. Collection method: clinical testing. Allele origin: germline. Affected: yes.
Comment: Canonical splice site variant predicted to result in an in-frame loss of the adjacent exon in a gene for which loss of function is a known mechanism of disease; Not observed in large population cohorts (gnomAD); Has not been previously published as pathogenic or benign to our knowledge

Literature cited by the submitters: PubMed 16199547 (cited by Labcorp Genetics (formerly Invitae), Labcorp); PubMed 18022865 (cited by Labcorp Genetics (formerly Invitae), Labcorp); PubMed 20513915 (cited by Labcorp Genetics (formerly Invitae), Labcorp); PubMed 22184204 (cited by Labcorp Genetics (formerly Invitae), Labcorp).

NM_001277115.2(DNAH11):c.7440+1G>A

Gene: DNAH11 (dynein axonemal heavy chain 11; plus strand). Cytogenetic location: 7p15.3.
Variant type: single nucleotide variant.
Coding change: c.7440+1G>A on transcript NM_001277115.2 (MANE Select); the canonical splice donor site of the intron after coding-DNA position 7440, G replaced by A.
Molecular consequence: splice donor variant.
Genome position (GRCh38, 1-based): chr7:21,725,985, G>A. VCF-style: chr7-21725985-G-A. GRCh37 (hg19) VCF-style: chr7-21765603-G-A.
Identifiers: ClinVar variation 3899481 (VCV003899481.3).